The following is an entry in ClinVar:

NM_001374828.1(ARID1B):c.1159C>T (p.Pro387Ser)

Gene: ARID1B (AT-rich interaction domain 1B; plus strand). Cytogenetic location: 6q25.3.
Variant type: single nucleotide variant.
Coding change: c.1159C>T on transcript NM_001374828.1 (MANE Select); coding-DNA position 1159, C replaced by T.
Protein change: p.Pro387Ser; replaces proline 387 with serine.
Molecular consequence: missense variant.
Genome position (GRCh38, 1-based): chr6:156,778,839, C>T. VCF-style: chr6-156778839-C-T. GRCh37 (hg19) VCF-style: chr6-157099973-C-T.
Other names: c.910C>T (NM_020732.3); c.1159C>T, p.Pro387Ser (NM_001371656.1, NM_001374820.1, NM_017519.3); short protein forms P387S.
Identifiers: ClinVar variation 3345239 (VCV003345239.1).

ClinVar aggregate classification (germline): Uncertain significance (0 of 4 stars; one submission).

Conditions:
ARID1B-Related Disorder. Identifiers: MedGen CN381337.

gnomAD v4.1: 6 of 1,416,148 alleles (0.00042%); highest among the groups gnomAD compares: South Asian, 0.0015%; no homozygotes.

Submission:

PreventionGenetics, part of Exact Sciences
Classification: Uncertain significance for ARID1B-related condition. Last evaluated: 2024-07-31. Review status: no assertion criteria provided. Collection method: clinical testing. Allele origin: germline.
Comment: The ARID1B c.910C>T variant is predicted to result in the amino acid substitution p.Pro304Ser. To our knowledge, this variant has not been reported in the literature or in a large population database, indicating this variant is rare. At this time, the clinical significance of this variant is uncertain due to the absence of conclusive functional and genetic evidence.